The following is an entry in ClinVar:

ClinVar aggregate classification (germline): Likely benign. Review status: criteria provided, single submitter (1 of 4 stars). 2 submissions from 2 submitters: Likely benign (1). 1 of the submissions does not count toward it. Last evaluated 2025-07-07.

Conditions:
Glycogen storage disease type III (GSD3). Also called: Cori disease; FORBES DISEASE. Identifiers: Orphanet 366, MedGen C0017922, MONDO:0009291, OMIM 232400.
AGL-related disorder. Also called: AGL-related condition.

Submissions (2):

Labcorp Genetics (formerly Invitae), Labcorp
Classification: Likely benign for Glycogen storage disease type III. Last evaluated: 2025-07-07. Review status: criteria provided, single submitter. Criteria: Invitae Variant Classification Sherloc (09022015). Collection method: clinical testing. Allele origin: germline.

PreventionGenetics, part of Exact Sciences
Classification: Likely benign for AGL-related condition. Last evaluated: 2024-03-20. Review status: no assertion criteria provided. Collection method: clinical testing. Allele origin: germline. Not counted in ClinVar's aggregate classification.
Comment: This variant is classified as likely benign based on ACMG/AMP sequence variant interpretation guidelines (Richards et al. 2015 PMID: 25741868, with internal and published modifications).

NM_000642.3(AGL):c.2493T>C (p.Tyr831=)

Gene: AGL (amylo-alpha-1,6-glucosidase and 4-alpha-glucanotransferase; plus strand). Cytogenetic location: 1p21.2.
Variant type: single nucleotide variant.
Coding change: c.2493T>C on transcript NM_000642.3 (MANE Select); coding-DNA position 2493, T replaced by C.
Protein change: p.Tyr831=; no amino-acid change (tyrosine 831 retained).
Molecular consequence: synonymous variant.
Genome position (GRCh38, 1-based): chr1:99,884,398, T>C. VCF-style: chr1-99884398-T-C. GRCh37 (hg19) VCF-style: chr1-100349954-T-C.
Other names: c.2493T>C, p.Tyr831= (NM_000028.3, NM_000643.3, NM_000644.3 and 2 more transcripts); c.2445T>C, p.Tyr815= (NM_000646.3); c.2493T>C (NM_000642.2); c.2289T>C, p.Tyr763= (NM_001425329.1, NM_001425328.1); c.2115T>C, p.Tyr705= (NM_001425332.1); c.2292T>C, p.Tyr764= (NM_001425327.1).
Identifiers: ClinVar variation 2897454 (VCV002897454.4), dbSNP rs2524675114, ClinGen allele CA419314306.